The following is an entry in ClinVar:

NM_019032.6(ADAMTSL4):c.1660del (p.Val554fs)

Genes: ADAMTSL4 (ADAMTS like 4; plus strand), ADAMTSL4-AS2 (ADAMTSL4 antisense RNA 2; minus strand). Cytogenetic location: 1q21.2.
Variant type: Deletion.
Coding change: c.1660del on transcript NM_019032.6 (MANE Select); coding-DNA position 1660, one base deleted (G; older notation c.1660delG).
Protein change: p.Val554fs; shifts the reading frame from valine 554.
Molecular consequence: frameshift variant.
Genome position (GRCh38, 1-based): chr1:150,556,704, G deleted. VCF-style (leftmost placement, unchanged base first): chr1-150556703-CG-C. GRCh37 (hg19) VCF-style: chr1-150529179-CG-C.
Other names: c.1729del, p.Val577fs (NM_001288607.2, NM_001288608.2); c.1660del, p.Val554fs (NM_001378596.1, NM_025008.5); short protein forms V577fs, V554fs.
Identifiers: ClinVar variation 2784894 (VCV002784894.3), dbSNP rs964738575, ClinGen allele CA30070827.
Genomic context (GRCh38, chr1:150,556,703, plus strand): 5'-GTCCATCATCAATGGGAACTGGGCTGTGGATCCCCCTGGGTCCTACAGGGCCGGCGGGAC[CG>C]TCTTTCGATATAACCGTCCTCCCAGGGAGGAGGGCAAAGGGGAGAGTCTGTCGGCTGAAG-3'

ClinVar aggregate classification (germline): Pathogenic (1 of 4 stars; one submission).

Allele frequency attached by ClinVar (database versions not stated): gnomAD 0.00001; TOPMed 0.00001.

Submission:

Labcorp Genetics (formerly Invitae), Labcorp
Classification: Pathogenic. Last evaluated: 2023-03-21. Review status: criteria provided, single submitter. Criteria: Invitae Variant Classification Sherloc (09022015). Collection method: clinical testing. Allele origin: germline.
Comment: For these reasons, this variant has been classified as Pathogenic. This variant has not been reported in the literature in individuals affected with ADAMTSL4-related conditions. This variant is not present in population databases (gnomAD no frequency). This sequence change creates a premature translational stop signal (p.Val554Serfs*31) in the ADAMTSL4 gene. It is expected to result in an absent or disrupted protein product. Loss-of-function variants in ADAMTSL4 are known to be pathogenic (PMID: 20564469, 28642162).

Literature cited by the submitters: PubMed 20564469; PubMed 28642162.